The following is an entry in ClinVar:

NM_003070.5(SMARCA2):c.1553T>C (p.Ile518Thr)

Gene: SMARCA2 (SWI/SNF related BAF chromatin remodeling complex subunit ATPase 2; plus strand). Cytogenetic location: 9p24.3.
Variant type: single nucleotide variant.
Coding change: c.1553T>C on transcript NM_003070.5 (MANE Select); coding-DNA position 1553, T replaced by C.
Protein change: p.Ile518Thr; replaces isoleucine 518 with threonine.
Molecular consequence: missense variant.
Genome position (GRCh38, 1-based): chr9:2,060,847, T>C. VCF-style: chr9-2060847-T-C. GRCh37 (hg19) VCF-style: chr9-2060847-T-C.
Other names: c.1553T>C (NM_003070.4); c.1553T>C, p.Ile518Thr (NM_001289396.2, NM_001289397.2, NM_139045.4); short protein forms I518T.
Identifiers: ClinVar variation 992996 (VCV000992996.4), dbSNP rs1820558146, ClinGen allele CA372782439.

ClinVar aggregate classification (germline): Likely pathogenic. Review status: criteria provided, multiple submitters, no conflicts (2 of 4 stars). 3 submissions from 3 submitters: Likely pathogenic (2). 1 of the submissions does not count toward it. Last evaluated 2026-08-03.

Conditions:
Nicolaides-Baraitser syndrome (NCBRS). Also called: SMARCA2-Related Nicolaides-Baraitser Syndrome; Intellectual disability-sparse hair-brachydactyly syndrome. Identifiers: Orphanet 3051, MedGen C1303073, MONDO:0011053, OMIM 601358.
SMARCA2-related disorder. Also called: SMARCA2-related condition.

Submissions (3):

Department of Medical Genetics, Jagiellonian University Medical College
Classification: Likely pathogenic for Nicolaides-Baraitser syndrome. Last evaluated: 2026-08-03. Review status: criteria provided, single submitter. Criteria: ACMG Guidelines, 2015. Collection method: research. Allele origin: unknown. Inheritance: Autosomal dominant inheritance. Affected: yes.

PreventionGenetics, part of Exact Sciences
Classification: Likely pathogenic for SMARCA2-related condition. Last evaluated: 2026-06-08. Review status: criteria provided, single submitter. Criteria: ACMG Guidelines, 2015. Collection method: clinical testing. Allele origin: germline.
Comment: The SMARCA2 c.1553T>C variant is predicted to result in the amino acid substitution p.Ile518Thr. This variant was reported to be de novo in at least one individual in neurodevelopmental cohort studies, an autism cohort study, and a cerebral palsy cohort study (Supplementary Table 1, Kaplanis et al. 2020. PubMed ID: 33057194; eTable 1, Moreno-De-Luca et al. 2021. PubMed ID: 33528536; Supplementary Table S1, Valencia et al. 2023. PubMed ID: 37500730; Supplementary Data 3, Zhou et al. 2022. PubMed ID: 35982159). This variant has not been reported in a large population database (gnomAD), indicating this variant is rare. This variant is interpreted as likely pathogenic.

Biochemical Molecular Genetic Laboratory, King Abdulaziz Medical City
Classification: Likely pathogenic for Nicolaides-Baraitser syndrome. Last evaluated: 2020-05-06. Review status: no assertion criteria provided. Collection method: clinical testing. Allele origin: germline. Affected: yes. Not counted in ClinVar's aggregate classification.